The following is an entry in ClinVar:

ClinVar aggregate classification (germline): Pathogenic (0 of 4 stars; one submission).

Conditions:
Cataract 2, multiple types (CTRCT2). Also called: CATARACT 2, ZONULAR PULVERULENT; CATARACT 2, MULTIPLE TYPES, WITH OR WITHOUT MICROCORNEA; CATARACT 2, NUCLEAR, WITH MICROCORNEA; CATARACT 2, NUCLEAR. Identifiers: Orphanet 91492, MedGen C4721890, MONDO:0100436, OMIM 604307.

Submission:

ClinVar Staff, National Center for Biotechnology Information (NCBI)
Classification: Pathogenic for Cataract 2, multiple types. Review status: no assertion criteria provided. Collection method: literature only. Allele origin: germline. Inheritance: Autosomal dominant inheritance. Affected: yes. Observed: 3 variant alleles, 3 heterozygotes.
Comment: The authors stated "We detected 1 disease-associated variant using Exomiser analysis by matching the proband’s phenotype and the inheritance pattern. The variant was determined to be pathogenic according to the American College of Medical Genetics and Genomics guidelines. We identified the heterozygous variant c.389_390insGCTG (p.C130fs), which includes a frameshift mutation. The residues in p.C130fs are all highly conserved across species.

Literature cited by the submitters: PubMed 36246175.

NM_020989.4(CRYGC):c.386_389dup (p.Cys130fs)

Genes: CRYGC (crystallin gamma C; minus strand), LOC100507443 (uncharacterized LOC100507443; plus strand). Cytogenetic location: 2q33.3.
Variant type: Duplication.
Coding change: c.386_389dup on transcript NM_020989.4 (MANE Select); coding-DNA positions 386 to 389, 4 bases duplicated (GCTG; older notation c.386_389dupGCTG).
Protein change: p.Cys130fs; shifts the reading frame from cysteine 130.
Molecular consequence: frameshift variant.
Genome position (GRCh38, 1-based): chr2:208,128,339-208,128,342, CAGC duplicated on the plus strand (GCTG on the coding strand, the reverse complement: CRYGC is on the minus strand); duplicating any 4 consecutive bases within chr2:208,128,339-208,128,343 gives the same sequence; the c. name uses the placement nearest the transcript's 3' end. VCF-style (leftmost placement, unchanged base first): chr2-208128338-G-GCAGC. GRCh37 (hg19) VCF-style: chr2-208993062-G-GCAGC.
Other names: short protein forms C130fs.
Identifiers: ClinVar variation 3242235 (VCV003242235.1), dbSNP rs2468835222.